The following is an entry in ClinVar:

ClinVar aggregate classification (germline): Likely pathogenic (1 of 4 stars; one submission).

Conditions:
Fanconi anemia (FA). Also called: Fanconi's anemia. Identifiers: Orphanet 84, MedGen C0015625, MeSH D005199, MONDO:0019391.

Submission:

Women's Health and Genetics/Laboratory Corporation of America, LabCorp
Classification: Likely pathogenic for Fanconi anemia. Last evaluated: 2022-04-26. Review status: criteria provided, single submitter. Criteria: LabCorp Variant Classification Summary - May 2015. Collection method: clinical testing. Allele origin: germline.
Comment: Variant summary: The variant identified by MLPA or other technology involves the deletion of exons 1-27 in the FANCA gene. A presumed nomenclature of c.(?_-43)_(2601+1_2602-1)del has been designated for the purposes of this classification. Although the exact breakpoints of this deletion are not known, it is expected to result in loss of the initiation codon in the FANCA gene, and may also extend into other genes upstream of FANCA. The variant was absent in 19932 control chromosomes (gnomAD, Structural Variants dataset). To our knowledge, no occurrence of c.(?_-43)_(2601+1_2602-1)del in individuals affected with Fanconi Anemia and no experimental evidence demonstrating its impact on protein function have been reported. One ClinVar submitter has assessed the variant since 2014: the variant was classified as pathogenic. Based on the evidence outlined above, the variant was classified as likely pathogenic.

NC_000016.9:g.(89831475_89833548)_(89883066_?)del

Gene: FANCA (FA complementation group A; minus strand). Cytogenetic location: 16q24.3.
Variant type: Deletion.
Identifiers: ClinVar variation 1683221 (VCV001683221.1).